The following is an entry in ClinVar:

NM_005876.5(SPEG):c.5407del (p.Arg1803fs)

Gene: SPEG (striated muscle enriched protein kinase; plus strand). Cytogenetic location: 2q35.
Variant type: Deletion.
Coding change: c.5407del on transcript NM_005876.5 (MANE Select); coding-DNA position 5407, one base deleted (C; older notation c.5407delC).
Protein change: p.Arg1803fs; shifts the reading frame from arginine 1803.
Molecular consequence: frameshift variant.
Genome position (GRCh38, 1-based): chr2:219,481,341, C deleted; the last of 2 consecutive C bases (chr2:219,481,340-219,481,341); deleting either gives the same sequence. VCF-style (leftmost placement, unchanged base first): chr2-219481339-AC-A. GRCh37 (hg19) VCF-style: chr2-220346061-AC-A.
Other names: short protein forms R1803fs.
Identifiers: ClinVar variation 4720412 (VCV004720412.1).
Genomic context (GRCh38, chr2:219,481,339, plus strand): 5'-ATGACAGCCCTCTTCACCCCTGCAGTCTGACAGGAATCTCCCCGTTTGTTGGGGAAAATG[AC>A]CGGACAACATTGATGAACATCCGAAACTACAACGTGGCCTTCGAGGAGACCACATTCCTG-3'

ClinVar aggregate classification (germline): Pathogenic (1 of 4 stars; one submission).

Submission:

Labcorp Genetics (formerly Invitae), Labcorp
Classification: Pathogenic. Last evaluated: 2025-06-02. Review status: criteria provided, single submitter. Criteria: Invitae Variant Classification Sherloc (09022015). Collection method: clinical testing. Allele origin: germline.
Comment: This sequence change creates a premature translational stop signal (p.Arg1803Glyfs*4) in the SPEG gene. It is expected to result in an absent or disrupted protein product. Loss-of-function variants in SPEG are known to be pathogenic (PMID: 19118250, 25087613). This variant is not present in population databases (gnomAD no frequency). This variant has not been reported in the literature in individuals affected with SPEG-related conditions. For these reasons, this variant has been classified as Pathogenic.

Literature cited by the submitters: PubMed 19118250; PubMed 25087613.